The following is an entry in ClinVar:

NM_014956.5(CEP164):c.3732G>A (p.Trp1244Ter)

Gene: CEP164 (centrosomal protein 164; plus strand). Cytogenetic location: 11q23.3.
Variant type: single nucleotide variant.
Coding change: c.3732G>A on transcript NM_014956.5 (MANE Select); coding-DNA position 3732, G replaced by A.
Protein change: p.Trp1244Ter; replaces tryptophan 1244 with a stop codon.
Molecular consequence: nonsense. On other transcripts: intron variant (1).
Genome position (GRCh38, 1-based): chr11:117,409,012, G>A. VCF-style: chr11-117409012-G-A. GRCh37 (hg19) VCF-style: chr11-117279728-G-A.
Other names: c.3733+8G>A (NM_001271933.2); c.3732G>A (NM_014956.4); short protein forms W1244*.
Identifiers: ClinVar variation 1984335 (VCV001984335.5), dbSNP rs2047017160, ClinGen allele CA382742727.

ClinVar aggregate classification (germline): Conflicting classifications of pathogenicity. Review status: criteria provided, conflicting classifications (1 of 4 stars). 2 submissions from 2 submitters: Pathogenic (1); Uncertain significance (1). Last evaluated 2026-06-19.

Conditions:
CEP164-related disorder. Also called: CEP164-related condition.
Nephronophthisis 15 (NPHP15). Identifiers: Orphanet 3156, MedGen C3541853, MONDO:0013917, OMIM 614845.

Allele frequency attached by ClinVar (database versions not stated): gnomAD exomes below 0.00001; TOPMed 0.00001.
gnomAD v4.1: 1 of 1,614,070 alleles (0.000062%); highest among the groups gnomAD compares: Admixed American, 0.0017%; no homozygotes.

Submissions (2):

PreventionGenetics, part of Exact Sciences
Classification: Uncertain significance for CEP164-related condition. Last evaluated: 2026-06-19. Review status: criteria provided, single submitter. Criteria: ACMG Guidelines, 2015. Collection method: clinical testing. Allele origin: germline.
Comment: The CEP164 c.3732G>A variant is predicted to result in premature protein termination (p.Trp1244*). To our knowledge, this variant has not been reported in the literature, or in a large population database (gnomAD), indicating this variant is rare. This variant is located in a transcript region that is not part of all expressed transcripts of this gene, thus calling its clinical significance into question. Although we suspect that this variant may be pathogenic, at this time, the clinical significance of this variant is uncertain due to the absence of conclusive functional and genetic evidence.

Labcorp Genetics (formerly Invitae), Labcorp
Classification: Pathogenic for Nephronophthisis 15. Last evaluated: 2025-12-27. Review status: criteria provided, single submitter. Criteria: Invitae Variant Classification Sherloc (09022015). Collection method: clinical testing. Allele origin: germline.
Comment: This sequence change creates a premature translational stop signal (p.Trp1244*) in the CEP164 gene. It is expected to result in an absent or disrupted protein product. Loss-of-function variants in CEP164 are known to be pathogenic (PMID: 22863007, 28125082, 32367404, 34132027, 34499853). This variant is not present in population databases (gnomAD no frequency). This variant has not been reported in the literature in individuals affected with CEP164-related conditions. ClinVar contains an entry for this variant (Variation ID: 1984335). For these reasons, this variant has been classified as Pathogenic.

Literature cited by the submitters: PubMed 22863007 (cited by Labcorp Genetics (formerly Invitae), Labcorp); PubMed 28125082 (cited by Labcorp Genetics (formerly Invitae), Labcorp); PubMed 32367404 (cited by Labcorp Genetics (formerly Invitae), Labcorp); PubMed 34132027 (cited by Labcorp Genetics (formerly Invitae), Labcorp); PubMed 34499853 (cited by Labcorp Genetics (formerly Invitae), Labcorp).